The following is an entry in ClinVar:

NM_001298.3(CNGA3):c.1451A>C (p.Gln484Pro)

Gene: CNGA3 (cyclic nucleotide gated channel subunit alpha 3; plus strand). Cytogenetic location: 2q11.2.
Variant type: single nucleotide variant.
Coding change: c.1451A>C on transcript NM_001298.3 (MANE Select); coding-DNA position 1451, A replaced by C.
Protein change: p.Gln484Pro; replaces glutamine 484 with proline.
Molecular consequence: missense variant.
Genome position (GRCh38, 1-based): chr2:98,396,621, A>C. VCF-style: chr2-98396621-A-C. GRCh37 (hg19) VCF-style: chr2-99013084-A-C.
Other names: c.1397A>C, p.Gln466Pro (NM_001079878.2); short protein forms Q466P, Q484P.
Identifiers: ClinVar variation 2628056 (VCV002628056.5), dbSNP rs1437228763, ClinGen allele CA347833586.

ClinVar aggregate classification (germline): Conflicting classifications of pathogenicity. Review status: criteria provided, conflicting classifications (1 of 4 stars). 2 submissions from 2 submitters: Likely pathogenic (1); Uncertain significance (1). Last evaluated 2023-06-25.

Conditions:
Achromatopsia 2 (ACHM2). Also called: ROD MONOCHROMACY 2; ROD MONOCHROMATISM 2; COLORBLINDNESS, TOTAL. Identifiers: Orphanet 49382, MedGen C1857618, MONDO:0009003, OMIM 216900.

Submissions (2):

Labcorp Genetics (formerly Invitae), Labcorp
Classification: Uncertain significance. Last evaluated: 2023-06-25. Review status: criteria provided, single submitter. Criteria: Invitae Variant Classification Sherloc (09022015). Collection method: clinical testing. Allele origin: germline.
Comment: Advanced modeling of protein sequence and biophysical properties (such as structural, functional, and spatial information, amino acid conservation, physicochemical variation, residue mobility, and thermodynamic stability) performed at Invitae indicates that this missense variant is expected to disrupt CNGA3 protein function. In summary, the available evidence is currently insufficient to determine the role of this variant in disease. Therefore, it has been classified as a Variant of Uncertain Significance. This variant has not been reported in the literature in individuals affected with CNGA3-related conditions. This variant is not present in population databases (gnomAD no frequency). This sequence change replaces glutamine, which is neutral and polar, with proline, which is neutral and non-polar, at codon 484 of the CNGA3 protein (p.Gln484Pro).

DBGen Ocular Genomics
Classification: Likely pathogenic for Achromatopsia 2. Last evaluated: 2023-01-01. Review status: criteria provided, single submitter. Criteria: ACMG Guidelines, 2015. Collection method: clinical testing. Allele origin: unknown. Inheritance: Autosomal recessive inheritance. Affected: yes.
Comment: Class 4 ACMG Guidelines, 2015